The following is an entry in ClinVar:

ClinVar aggregate classification (germline): Pathogenic. Review status: criteria provided, multiple submitters, no conflicts (2 of 4 stars). 2 submissions from 2 submitters: Pathogenic (2). Last evaluated 2022-11-15.

Conditions:
Long QT syndrome (LQTS). Identifiers: MedGen C0023976, MeSH D008133, MONDO:0002442. Disease mechanism: loss of function. Inheritance: Various modes of inheritance.

Submissions (2):

Labcorp Genetics (formerly Invitae), Labcorp
Classification: Pathogenic for Long QT syndrome. Last evaluated: 2022-11-15. Review status: criteria provided, single submitter. Criteria: Invitae Variant Classification Sherloc (09022015). Collection method: clinical testing. Allele origin: germline.
Comment: For these reasons, this variant has been classified as Pathogenic. ClinVar contains an entry for this variant (Variation ID: 200337). This premature translational stop signal has been observed in individual(s) with clinical features of long QT syndrome (PMID: 23631430). This variant is not present in population databases (gnomAD no frequency). This sequence change creates a premature translational stop signal (p.Glu444*) in the KCNH2 gene. It is expected to result in an absent or disrupted protein product. Loss-of-function variants in KCNH2 are known to be pathogenic (PMID: 10973849, 19862833).

GeneDx
Classification: Pathogenic. Last evaluated: 2012-12-07. Review status: criteria provided, single submitter. Criteria: GeneDx Variant Classification (06012015). Collection method: clinical testing. Allele origin: germline. Affected: yes.
Comment: The Glu444Stop mutation in the KCNH2 gene has not been reported as a disease-causing mutation or as benign polymorphism to our knowledge. Glu444Stop is predicted to cause loss of normal protein function either by protein truncation or nonsense-mediated mRNA decay. Other nonsense mutations in the KCNH2 gene have been reported in association with LQTS. The variant is found in LQT panel(s).

Literature cited by the submitters: PubMed 23631430 (cited by Labcorp Genetics (formerly Invitae), Labcorp); PubMed 10973849 (cited by Labcorp Genetics (formerly Invitae), Labcorp); PubMed 19862833 (cited by Labcorp Genetics (formerly Invitae), Labcorp).

NM_000238.4(KCNH2):c.1330G>T (p.Glu444Ter)

Gene: KCNH2 (potassium voltage-gated channel subfamily H member 2; minus strand). Cytogenetic location: 7q36.1.
Variant type: single nucleotide variant.
Coding change: c.1330G>T on transcript NM_000238.4 (MANE Select); coding-DNA position 1330, G replaced by T.
Protein change: p.Glu444Ter; replaces glutamic acid 444 with a stop codon.
Molecular consequence: nonsense.
Genome position (GRCh38, 1-based): chr7:150,952,652, C>A on the plus strand (G>T on the coding strand, the complement: KCNH2 is on the minus strand). VCF-style: chr7-150952652-C-A. GRCh37 (hg19) VCF-style: chr7-150649740-C-A.
Other names: p.E444*:GAG>TAG; c.310G>T, p.Glu104Ter (NM_001204798.2, NM_172057.3); c.1042G>T, p.Glu348Ter (NM_001406753.1, NM_001406756.1); c.1153G>T, p.Glu385Ter (NM_001406755.1); c.1030G>T, p.Glu344Ter (NM_001406757.1); c.1330G>T, p.Glu444Ter (NM_172056.3); short protein forms E104*, E444*, E385*, E344*, E348*.
Identifiers: ClinVar variation 200337 (VCV000200337.8), dbSNP rs201268831, ClinGen allele CA004486.
Genomic context (GRCh38, chr7:150,952,652, plus strand): 5'-TGAACATGATGTCCACGATGAGGTCCACCACAGCCAGCGGCTGGCAGGCGTAGCCACACT[C>A]GGTAGCAGGCGGGCCTTCTTCCGTCTCCTTCAGCAGGAAGGCAGCCGAGTAGGGTGTGAA-3'